The following is an entry in ClinVar:

ClinVar aggregate classification (germline): Likely pathogenic (1 of 4 stars; one submission).

Conditions:
ITGA2B-related disorder. Also called: ITGA2B-related condition; ITGA2B-related disorders.

Submission:

PreventionGenetics, part of Exact Sciences
Classification: Likely pathogenic for ITGA2B-related condition. Last evaluated: 2023-02-21. Review status: criteria provided, single submitter. Criteria: ACMG Guidelines, 2015. Collection method: clinical testing. Allele origin: germline.
Comment: The ITGA2B c.1788delT variant is predicted to result in a frameshift and premature protein termination (p.Ile596Metfs*54). To our knowledge, this variant has not been reported in the literature or in a large population database, indicating this variant is rare. Frameshift variants in ITGA2B are expected to be pathogenic. This variant is interpreted as likely pathogenic.

NM_000419.5(ITGA2B):c.1788del (p.Ile596fs)

Gene: ITGA2B (integrin subunit alpha 2b; minus strand). Cytogenetic location: 17q21.31.
Variant type: Deletion.
Coding change: c.1788del on transcript NM_000419.5 (MANE Select); coding-DNA position 1788, one base deleted (T; older notation c.1788delT).
Protein change: p.Ile596fs; shifts the reading frame from isoleucine 596.
Molecular consequence: frameshift variant.
Genome position (GRCh38, 1-based): chr17:44,379,779, A deleted on the plus strand (T on the coding strand, the reverse complement: ITGA2B is on the minus strand); the first of 2 consecutive A bases (chr17:44,379,779-44,379,780); deleting either gives the same sequence. VCF-style (leftmost placement, unchanged base first): chr17-44379778-CA-C. GRCh37 (hg19) VCF-style: chr17-42457146-CA-C.
Other names: short protein forms I596fs.
Identifiers: ClinVar variation 2630607 (VCV002630607.1), dbSNP rs2510078765, ClinGen allele CA2638217484.